The following is an entry in ClinVar:

NM_016169.4(SUFU):c.38C>G (p.Thr13Ser)

Genes: SUFU (SUFU negative regulator of hedgehog signaling; plus strand), LOC130004614 (ATAC-STARR-seq lymphoblastoid silent region 2764; plus strand). Cytogenetic location: 10q24.32.
Variant type: single nucleotide variant.
Coding change: c.38C>G on transcript NM_016169.4 (MANE Select); coding-DNA position 38, C replaced by G.
Protein change: p.Thr13Ser; replaces threonine 13 with serine.
Molecular consequence: missense variant.
Genome position (GRCh38, 1-based): chr10:102,504,190, C>G. VCF-style: chr10-102504190-C-G. GRCh37 (hg19) VCF-style: chr10-104263947-C-G.
Other names: c.38C>G, p.Thr13Ser (NM_001178133.2); short protein forms T13S.
Identifiers: ClinVar variation 1522672 (VCV001522672.11), dbSNP rs768935165, ClinGen allele CA5667580.

ClinVar aggregate classification (germline): Uncertain significance. Review status: criteria provided, multiple submitters, no conflicts (2 of 4 stars). 2 submissions from 2 submitters: Uncertain significance (2). Last evaluated 2025-10-18.

Conditions:
Hereditary cancer-predisposing syndrome. Also called: Tumor predisposition; Hereditary neoplastic syndrome; Neoplastic Syndromes, Hereditary; Hereditary Cancer Syndrome. Identifiers: Orphanet 140162, MedGen C0027672, MeSH D009386, MONDO:0015356.
Gorlin syndrome. Also called: Basal cell nevus syndrome; Nevoid Basal Cell Carcinoma Syndrome. Identifiers: Orphanet 377, MedGen C0004779, MONDO:0007187.
Medulloblastoma (MDB). Also called: MEDULLOBLASTOMA PREDISPOSITION SYNDROME; Medulloblastoma, somatic. Identifiers: Orphanet 616, MedGen C0025149, MeSH D008527, MONDO:0007959, OMIM 155255, HP:0002885.

Allele frequency attached by ClinVar (database versions not stated): gnomAD exomes 0.00001.
gnomAD v4.1: 7 of 1,540,912 alleles (0.00045%); highest among the groups gnomAD compares: Non-Finnish European, 0.00061%; no homozygotes.

Submissions (2):

Labcorp Genetics (formerly Invitae), Labcorp
Classification: Uncertain significance for Gorlin syndrome; Medulloblastoma. Last evaluated: 2025-10-18. Review status: criteria provided, single submitter. Criteria: Invitae Variant Classification Sherloc (09022015). Collection method: clinical testing. Allele origin: germline.
Comment: This sequence change replaces threonine, which is neutral and polar, with serine, which is neutral and polar, at codon 13 of the SUFU protein (p.Thr13Ser). This variant is present in population databases (rs768935165, gnomAD 0.003%). This variant has not been reported in the literature in individuals affected with SUFU-related conditions. ClinVar contains an entry for this variant (Variation ID: 1522672). An algorithm developed to predict the effect of missense changes on protein structure and function outputs the following: PolyPhen-2: "Benign". The serine amino acid residue is found in multiple mammalian species, which suggests that this missense change does not adversely affect protein function. In summary, the available evidence is currently insufficient to determine the role of this variant in disease. Therefore, it has been classified as a Variant of Uncertain Significance.

Ambry Genetics
Classification: Uncertain significance for Hereditary cancer-predisposing syndrome. Last evaluated: 2024-12-19. Review status: criteria provided, single submitter. Criteria: Ambry Variant Classification Scheme 2023. Collection method: clinical testing. Allele origin: germline.
Comment: The p.T13S variant (also known as c.38C>G), located in coding exon 1 of the SUFU gene, results from a C to G substitution at nucleotide position 38. The threonine at codon 13 is replaced by serine, an amino acid with similar properties. This amino acid position is not well conserved in available vertebrate species. In addition, this alteration is predicted to be tolerated by in silico analysis. Since supporting evidence is limited at this time, the clinical significance of this alteration remains unclear.